The following is an entry in ClinVar:

ClinVar aggregate classification (germline): Benign/Likely benign. Review status: criteria provided, multiple submitters, no conflicts (2 of 4 stars). 3 submissions from 3 submitters: Benign (1); Likely benign (2). Last evaluated 2025-01-28.

Conditions:
Lynch syndrome 4 (LYNCH4). Also called: Colorectal cancer, hereditary nonpolyposis, type 4; Hereditary non-polyposis colorectal cancer, type 4. Identifiers: Orphanet 144, MedGen C1838333, MONDO:0013699, OMIM 614337. Disease mechanism: loss of function.
Hereditary nonpolyposis colorectal neoplasms. Identifiers: MedGen C0009405, MeSH D003123.
Hereditary cancer-predisposing syndrome. Also called: Neoplastic Syndromes, Hereditary; Tumor predisposition; Hereditary Cancer Syndrome; Hereditary neoplastic syndrome. Identifiers: Orphanet 140162, MedGen C0027672, MeSH D009386, MONDO:0015356.

Submissions (3):

Myriad Genetics, Inc.
Classification: Benign for Lynch syndrome 4. Last evaluated: 2025-01-28. Review status: criteria provided, single submitter. Criteria: Myriad Autosomal Dominant, Autosomal Recessive and X-Linked Classification Criteria (2023). Collection method: clinical testing. Allele origin: unknown.
Comment: This variant is considered benign. This variant is a silent/synonymous amino acid change and it is not expected to impact splicing.

Labcorp Genetics (formerly Invitae), Labcorp
Classification: Likely benign for Hereditary nonpolyposis colorectal neoplasms. Last evaluated: 2019-09-12. Review status: criteria provided, single submitter. Criteria: Invitae Variant Classification Sherloc (09022015). Collection method: clinical testing. Allele origin: germline.

Ambry Genetics
Classification: Likely benign for Hereditary cancer-predisposing syndrome. Last evaluated: 2015-08-13. Review status: criteria provided, single submitter. Criteria: Ambry Variant Classification Scheme 2023. Collection method: clinical testing. Allele origin: germline.

NM_000535.7(PMS2):c.768T>C (p.Gly256=)

Gene: PMS2 (PMS1 homolog 2, mismatch repair system component; minus strand). Cytogenetic location: 7p22.1.
Variant type: single nucleotide variant.
Coding change: c.768T>C on transcript NM_000535.7 (MANE Select); coding-DNA position 768, T replaced by C.
Protein change: p.Gly256=; no amino-acid change (glycine 256 retained).
Molecular consequence: synonymous variant. On other transcripts: 5 prime UTR variant (2), non-coding transcript variant (1).
Genome position (GRCh38, 1-based): chr7:5,997,361, A>G on the plus strand (T>C on the coding strand, the complement: PMS2 is on the minus strand). VCF-style: chr7-5997361-A-G. GRCh37 (hg19) VCF-style: chr7-6036992-A-G.
Other names: c.363T>C, p.Gly121= (NM_001322003.2, NM_001322004.2, NM_001322005.2 and 2 more transcripts); c.768T>C, p.Gly256= (NM_001322006.2, NM_001322014.2); c.450T>C, p.Gly150= (NM_001322007.2, NM_001322008.2); c.-166T>C (NM_001322011.2, NM_001322012.2); c.195T>C, p.Gly65= (NM_001322013.2); c.459T>C, p.Gly153= (NM_001322015.2).
Identifiers: ClinVar variation 233421 (VCV000233421.15), dbSNP rs876660396, ClinGen allele CA10578698.
Genomic context (GRCh38, chr7:5,997,361, plus strand): 5'-GTTCTCTTGCCAGCAATCTACTTACTAAAAAAGATTATGCAGAGCATCGGAACAGCTCAA[A>G]CCGTACTCTTCACACACGGAGTCACTAGGGGGCAGCTGAACAAAAGGAATGAGGCTTTGC-3'
Protein context (NP_000526.2, residues 246-266): PPSDSVCEEY[Gly256=]LSCSDALHNL